The following is an entry in ClinVar:

NM_012434.5(SLC17A5):c.1112-121A>T

Gene: SLC17A5 (solute carrier family 17 member 5; minus strand). Cytogenetic location: 6q13.
Variant type: single nucleotide variant.
Coding change: c.1112-121A>T on transcript NM_012434.5 (MANE Select); 121 bases into the intron before coding-DNA position 1112, A replaced by T.
Molecular consequence: intron variant.
Genome position (GRCh38, 1-based): chr6:73,610,668, T>A on the plus strand (A>T on the coding strand, the complement: SLC17A5 is on the minus strand). VCF-style: chr6-73610668-T-A. GRCh37 (hg19) VCF-style: chr6-74320391-T-A.
Identifiers: ClinVar variation 672111 (VCV000672111.1), dbSNP rs1691343, ClinGen allele CA12414339.

ClinVar aggregate classification (germline): Benign (1 of 4 stars; one submission).

Allele frequency attached by ClinVar (database versions not stated): 1000 Genomes Project 0.34205; 1000 Genomes Project 30x 0.34744; gnomAD exomes 0.35788; TOPMed 0.39277; gnomAD 0.39376 and 0.40143.

Submission:

GeneDx
Classification: Benign. Last evaluated: 2018-06-19. Review status: criteria provided, single submitter. Criteria: GeneDx Variant Classification (06012015). Collection method: clinical testing. Allele origin: germline. Affected: yes.
Comment: This variant is considered likely benign or benign based on one or more of the following criteria: it is a conservative change, it occurs at a poorly conserved position in the protein, it is predicted to be benign by multiple in silico algorithms, and/or has population frequency not consistent with disease.